The following is an entry in ClinVar:

ClinVar aggregate classification (germline): Uncertain significance (1 of 4 stars; one submission).

Conditions:
Landau-Kleffner syndrome (FESD). Also called: EPILEPSY, FOCAL, WITH SPEECH DISORDER AND WITH OR WITHOUT MENTAL RETARDATION; APHASIA, ACQUIRED, WITH EPILEPSY. Identifiers: Orphanet 1945, Orphanet 725, Orphanet 98818, MedGen C0282512, MONDO:0009509, OMIM 245570.

Allele frequency attached by ClinVar (database versions not stated): gnomAD exomes 0.00001 and below 0.00001.
gnomAD v4.1: 4 of 1,614,098 alleles (0.00025%); highest among the groups gnomAD compares: Non-Finnish European, 0.00025%; no homozygotes.

Submission:

Labcorp Genetics (formerly Invitae), Labcorp
Classification: Uncertain significance for Landau-Kleffner syndrome. Last evaluated: 2021-04-03. Review status: criteria provided, single submitter. Criteria: Invitae Variant Classification Sherloc (09022015). Collection method: clinical testing. Allele origin: germline.
Comment: In summary, the available evidence is currently insufficient to determine the role of this variant in disease. Therefore, it has been classified as a Variant of Uncertain Significance. Advanced modeling of protein sequence and biophysical properties (such as structural, functional, and spatial information, amino acid conservation, physicochemical variation, residue mobility, and thermodynamic stability) performed at Invitae indicates that this missense variant is not expected to disrupt GRIN2A protein function. This variant has not been reported in the literature in individuals with GRIN2A-related conditions. This variant is not present in population databases (ExAC no frequency). This sequence change replaces glycine with arginine at codon 889 of the GRIN2A protein (p.Gly889Arg). The glycine residue is weakly conserved and there is a moderate physicochemical difference between glycine and arginine.

NM_001134407.3(GRIN2A):c.2665G>A (p.Gly889Arg)

Gene: GRIN2A (glutamate ionotropic receptor NMDA type subunit 2A; minus strand). Cytogenetic location: 16p13.2.
Variant type: single nucleotide variant.
Coding change: c.2665G>A on transcript NM_001134407.3 (MANE Select); coding-DNA position 2665, G replaced by A.
Protein change: p.Gly889Arg; replaces glycine 889 with arginine.
Molecular consequence: missense variant.
Genome position (GRCh38, 1-based): chr16:9,764,879, C>T on the plus strand (G>A on the coding strand, the complement: GRIN2A is on the minus strand). VCF-style: chr16-9764879-C-T. GRCh37 (hg19) VCF-style: chr16-9858736-C-T.
Other names: c.2665G>A, p.Gly889Arg (NM_000833.5, NM_001134408.2); short protein forms G889R.
Identifiers: ClinVar variation 1522678 (VCV001522678.8), dbSNP rs1309768715, ClinGen allele CA394709626.